The following is an entry in ClinVar:

NM_006904.7(PRKDC):c.722-6C>G

Gene: PRKDC (protein kinase, DNA-activated, catalytic subunit; minus strand). Cytogenetic location: 8q11.21.
Variant type: single nucleotide variant.
Coding change: c.722-6C>G on transcript NM_006904.7 (MANE Select); 6 bases into the intron before coding-DNA position 722, C replaced by G.
Molecular consequence: intron variant.
Genome position (GRCh38, 1-based): chr8:47,944,035, G>C on the plus strand (C>G on the coding strand, the complement: PRKDC is on the minus strand). VCF-style: chr8-47944035-G-C. GRCh37 (hg19) VCF-style: chr8-48856595-G-C.
Other names: c.722-6C>G (NM_001081640.2).
Identifiers: ClinVar variation 2841927 (VCV002841927.3), dbSNP rs1425816260, ClinGen allele CA1781883182.

ClinVar aggregate classification (germline): Uncertain significance (1 of 4 stars; one submission).

Conditions:
Severe combined immunodeficiency due to DNA-PKcs deficiency. Also called: Immunodeficiency 26 with or without neurologic abnormalities; IMMUNODEFICIENCY 26 WITH NEUROLOGIC ABNORMALITIES. Identifiers: Orphanet 317425, MedGen C4014833, MONDO:0014423, OMIM 615966.

Submission:

Labcorp Genetics (formerly Invitae), Labcorp
Classification: Uncertain significance for Severe combined immunodeficiency due to DNA-PKcs deficiency. Last evaluated: 2023-05-23. Review status: criteria provided, single submitter. Criteria: Invitae Variant Classification Sherloc (09022015). Collection method: clinical testing. Allele origin: germline.
Comment: Algorithms developed to predict the effect of sequence changes on RNA splicing suggest that this variant may disrupt the consensus splice site. In summary, the available evidence is currently insufficient to determine the role of this variant in disease. Therefore, it has been classified as a Variant of Uncertain Significance. This sequence change falls in intron 7 of the PRKDC gene. It does not directly change the encoded amino acid sequence of the PRKDC protein. This variant is not present in population databases (gnomAD no frequency). This variant has not been reported in the literature in individuals affected with PRKDC-related conditions.